The following is an entry in ClinVar:

NM_001204.7(BMPR2):c.2887G>T (p.Gly963Cys)

Gene: BMPR2 (bone morphogenetic protein receptor type 2; plus strand). Cytogenetic location: 2q33.2.
Variant type: single nucleotide variant.
Coding change: c.2887G>T on transcript NM_001204.7 (MANE Select); coding-DNA position 2887, G replaced by T.
Protein change: p.Gly963Cys; replaces glycine 963 with cysteine.
Molecular consequence: missense variant.
Genome position (GRCh38, 1-based): chr2:202,559,716, G>T. VCF-style: chr2-202559716-G-T. GRCh37 (hg19) VCF-style: chr2-203424439-G-T.
Other names: NM_001204.7(BMPR2):c.2887G>T; p.Gly963Cys; c.2887G>T (LRG_712t1); short protein forms G963C.
Identifiers: ClinVar variation 333651 (VCV000333651.38), dbSNP rs146027217, ClinGen allele CA2061614.
Genomic context (GRCh38, chr2:202,559,716, plus strand): 5'-GTTTGTTAAATAGCTCATTTTTCTGCACTTTTATTTTCAGTAGGTGAGTCAACACAAGAT[G>T]GCAAATCAGGATCAGGTGAAAAGATCAAGAAACGTGTGAAAACTCCCTATTCTCTTAAGC-3'
Protein context (NP_001195.2, residues 953-973): SIQIGESTQD[Gly963Cys]KSGSGEKIKK

ClinVar aggregate classification (germline): Likely benign. Review status: reviewed by expert panel (3 of 4 stars). 7 submissions from 7 submitters: Likely benign (1). 6 of the submissions do not count toward it. Last evaluated 2024-05-02.

Conditions:
Inborn genetic diseases. Identifiers: MedGen C0950123, MeSH D030342.
Primary pulmonary hypertension. Also called: Idiopathic pulmonary hypertension. Identifiers: MedGen C0152171.
Pulmonary hypertension, primary, 1 (PPH1). Also called: Pulmonary hypertension, familial primary, 1, with or without HHT. Identifiers: Orphanet 422, MedGen C4552070, MONDO:0024533, OMIM 178600.
Pulmonary arterial hypertension. Identifiers: Orphanet 182090, MedGen C2973725, MeSH D000081029, MONDO:0015924, HP:0002092.

Allele frequency attached by ClinVar (database versions not stated): gnomAD 0.00013 and 0.00014; TOPMed 0.00013; ExAC 0.00026; ESP Exome Variant Server 0.00031.
gnomAD v4.1: 262 of 1,613,978 alleles (0.016%); highest among the groups gnomAD compares: Non-Finnish European, 0.02%; no homozygotes.

Submissions (7):

Clingen Pulmonary Hypertension Variant Curation Expert Panel, ClinGen
Classification: Likely benign for Pulmonary arterial hypertension. Last evaluated: 2024-05-02. Review status: reviewed by expert panel. Criteria: ClinGen PH ACMG Specifications BMPR2 V1.1.0. Collection method: curation. Allele origin: germline. Inheritance: Autosomal dominant inheritance.
Comment: The BMPR2 c.2887G>T variant is a missense variant predicted to cause a glycine to cysteine substitution at amino acid 963 (p.Gly963Cys). The highest population minor allele frequency in gnomAD v2.1.1 controls is 0.001015 (13/12804 alleles) in the Swedish population, which is higher than the ClinGen Pulmonary Hypertension VCEP threshold of >0.1% for BS1, and therefore meets this criterion (BS1). PP3 was not met as the computational predictor, REVEL, gives a score of 0.418, which is below the threshold of 0.75 (and above the threshold of >=0.25 for PP3). No functional data was available for review and SpliceAI did not predict an effect on splicing. In summary, the variant meets the criteria to be classified as likely benign for pulmonary arterial hypertension based on the ACMG/AMP criteria applied, as specified by the ClinGen Pulmonary Hypertension VCEP: BS1 (VCEP specification version 1.1, 1/18/2024).

Ambry Genetics
Classification: Uncertain significance for Inborn genetic diseases. Last evaluated: 2025-11-19. Review status: criteria provided, single submitter. Criteria: Ambry Variant Classification Scheme 2023. Collection method: clinical testing. Allele origin: germline. Not counted in ClinVar's aggregate classification.
Comment: The p.G963C variant (also known as c.2887G>T), located in coding exon 13 of the BMPR2 gene, results from a G to T substitution at nucleotide position 2887. The glycine at codon 963 is replaced by cysteine, an amino acid with highly dissimilar properties. This amino acid position is conserved. In addition, the in silico prediction for this alteration is inconclusive. Since supporting evidence is limited at this time, the clinical significance of this alteration remains unclear.

Labcorp Genetics (formerly Invitae), Labcorp
Classification: Likely benign for Primary pulmonary hypertension. Last evaluated: 2025-09-03. Review status: criteria provided, single submitter. Criteria: Invitae Variant Classification Sherloc (09022015). Collection method: clinical testing. Allele origin: germline. Not counted in ClinVar's aggregate classification.

Laboratory of Genetics, Children's Clinical University Hospital Latvia
Classification: Likely benign. Last evaluated: 2025-02-16. Review status: criteria provided, single submitter. Criteria: ACMG Guidelines, 2015. Collection method: clinical testing. Allele origin: germline. Affected: yes. Not counted in ClinVar's aggregate classification.

CeGaT Center for Human Genetics Tuebingen
Classification: Uncertain significance. Last evaluated: 2024-09-01. Review status: criteria provided, single submitter. Criteria: CeGaT Center For Human Genetics Tuebingen Variant Classification Criteria Version 2. Collection method: clinical testing. Allele origin: germline. Affected: yes. Observed: 2 variant alleles. Not counted in ClinVar's aggregate classification.

Illumina Laboratory Services, Illumina
Classification: Benign for Pulmonary hypertension, primary, 1. Last evaluated: 2018-01-12. Review status: criteria provided, single submitter. Criteria: ICSL Variant Classification Criteria 13 December 2019. Collection method: clinical testing. Allele origin: germline. Not counted in ClinVar's aggregate classification.
Comment: This variant was observed in the ICSL laboratory as part of a predisposition screen in an ostensibly healthy population. It had not been previously curated by ICSL or reported in the Human Gene Mutation Database (HGMD: prior to June 1st, 2018), and was therefore a candidate for classification through an automated scoring system. Utilizing variant allele frequency, disease prevalence and penetrance estimates, and inheritance mode, an automated score was calculated to assess if this variant is too frequent to cause the disease. Based on the score and internal cut-off values, a variant classified as benign is not then subjected to further curation. The score for this variant resulted in a classification of benign for this disease.

Department of Pathology and Laboratory Medicine, Sinai Health System
Classification: Uncertain significance. Review status: no assertion criteria provided. Collection method: clinical testing. Allele origin: unknown. Affected: yes. Study: The Canadian Open Genetics Repository (COGR). Not counted in ClinVar's aggregate classification.
Comment: The BMPR2 p.Gly963Cys variant was not identified in the literature nor was it identified in Cosmic or LOVD 3.0. The variant was identified in dbSNP (ID: rs146027217) and ClinVar (classified as Uncertain Signficance for Heritable Pulmonary Arterial Hypertension by Illumina in 2016) and ARUP Laboratories (classified as Uncertain significance). The variant was identified in control databases in 46 of 282598 chromosomes at a frequency of 0.000163 (Genome Aggregation Database Feb 27, 2017). The variant was observed in the following populations: European (non-Finnish) in 40 of 128992 chromosomes (freq: 0.00031) and European (Finnish) in 6 of 25122 chromosomes (freq: 0.000239), but not in the African, Latino, Ashkenazi Jewish, East Asian, Other, and South Asian populations. The p.Gly963 residue is conserved in mammals but not in more distantly related organisms, and four out of five computational analyses (PolyPhen-2, SIFT, AlignGVGD, BLOSUM, MutationTaster) suggest that the variant may impact the protein; however, this information is not predictive enough to assume pathogenicity. The variant occurs outside of the splicing consensus sequence and 3 of 4 in silico or computational prediction software programs (SpliceSiteFinder, MaxEntScan, NNSPLICE, GeneSplicer) do not predict a greater than 10% difference in splicing. In summary, based on the above information the clinical significance of this variant cannot be determined with certainty at this time. This variant is classified as a variant of uncertain significance.